The following is an entry in ClinVar:

NM_000465.4(BARD1):c.49G>T (p.Gly17Trp)

Gene: BARD1 (BRCA1 associated RING domain 1; minus strand). Cytogenetic location: 2q35.
Variant type: single nucleotide variant.
Coding change: c.49G>T on transcript NM_000465.4 (MANE Select); coding-DNA position 49, G replaced by T.
Protein change: p.Gly17Trp; replaces glycine 17 with tryptophan.
Molecular consequence: missense variant. On other transcripts: non-coding transcript variant (3).
Genome position (GRCh38, 1-based): chr2:214,809,521, C>A on the plus strand (G>T on the coding strand, the complement: BARD1 is on the minus strand). VCF-style: chr2-214809521-C-A. GRCh37 (hg19) VCF-style: chr2-215674245-C-A.
Other names: c.49G>T, p.Gly17Trp (NM_001282543.2, NM_001282545.2, NM_001282548.2 and 1 more transcripts); short protein forms G17W.
Identifiers: ClinVar variation 1979644 (VCV001979644.4), dbSNP rs746495820, ClinGen allele CA350465269.

ClinVar aggregate classification (germline): Uncertain significance (1 of 4 stars; one submission).

Conditions:
Familial cancer of breast. Also called: Hereditary breast cancer; BREAST CANCER, FAMILIAL; hereditary breast carcinoma. Identifiers: Orphanet 227535, MedGen C0346153, MONDO:0016419, OMIM 114480. Disease mechanism: loss of function.

Submission:

Labcorp Genetics (formerly Invitae), Labcorp
Classification: Uncertain significance for Familial cancer of breast. Last evaluated: 2023-07-10. Review status: criteria provided, single submitter. Criteria: Invitae Variant Classification Sherloc (09022015). Collection method: clinical testing. Allele origin: germline.
Comment: An algorithm developed to predict the effect of missense changes on protein structure and function (PolyPhen-2) suggests that this variant is likely to be disruptive. In summary, the available evidence is currently insufficient to determine the role of this variant in disease. Therefore, it has been classified as a Variant of Uncertain Significance. ClinVar contains an entry for this variant (Variation ID: 1979644). This variant has not been reported in the literature in individuals affected with BARD1-related conditions. This variant is not present in population databases (gnomAD no frequency). This sequence change replaces glycine, which is neutral and non-polar, with tryptophan, which is neutral and slightly polar, at codon 17 of the BARD1 protein (p.Gly17Trp).